The following is an entry in ClinVar:

NM_213655.5(WNK1):c.2297A>C (p.Glu766Ala)

Gene: WNK1 (WNK lysine deficient protein kinase 1; plus strand). Cytogenetic location: 12p13.33.
Variant type: single nucleotide variant.
Coding change: c.2297A>C on transcript NM_213655.5 (MANE Plus Clinical); coding-DNA position 2297, A replaced by C.
Protein change: p.Glu766Ala; replaces glutamic acid 766 with alanine.
Molecular consequence: missense variant. On other transcripts: intron variant (3).
Genome position (GRCh38, 1-based): chr12:865,267, A>C. VCF-style: chr12-865267-A-C. GRCh37 (hg19) VCF-style: chr12-974433-A-C.
Other names: c.2140-2599A>C (NM_001184985.2); c.2139+2997A>C (NM_018979.4, NM_014823.3); short protein forms E766A.
Identifiers: ClinVar variation 1062522 (VCV001062522.9), dbSNP rs1395773316, ClinGen allele CA383337742.
Genomic context (GRCh38, chr12:865,267, plus strand): 5'-GTACTGTCTGCACCTCTTTCTCCTTCCCTCCTCCGGACTGCCCCGAGGAAACTTTTGCCG[A>C]AAAGCTTTCTAAAGCATTGGAGAGTGTCCTGCCTATGCACTCTGCCTCTCAGCGCAAGCA-3'
Protein context (NP_998820.3, residues 756-776): PPDCPEETFA[Glu766Ala]KLSKALESVL

ClinVar aggregate classification (germline): Uncertain significance (1 of 4 stars; one submission).

Conditions:
Neuropathy, hereditary sensory and autonomic, type 2A (HSAN2A). Also called: MORVAN DISEASE; NEUROPATHY, CONGENITAL SENSORY; NEUROPATHY, HEREDITARY SENSORY RADICULAR, AUTOSOMAL RECESSIVE; NEUROPATHY, HEREDITARY SENSORY, TYPE IIA; NEUROPATHY, PROGRESSIVE SENSORY, OF CHILDREN; WNK1-Related HSAN2 (HSAN2A). Identifiers: Orphanet 970, MedGen C2752089, MONDO:0024309, OMIM 201300.
Pseudohypoaldosteronism type 2C (PHA2C). Also called: Pseudohypoaldosteronism Type IIC. Identifiers: Orphanet 757, Orphanet 88940, MedGen C1840391, MONDO:0013778, OMIM 614492.

Allele frequency attached by ClinVar (database versions not stated): gnomAD exomes 0.00001; TOPMed 0.00001.
gnomAD v4.1: 3 of 1,536,068 alleles (0.0002%); highest among the groups gnomAD compares: East Asian, 0.0049%; no homozygotes.

Submission:

Labcorp Genetics (formerly Invitae), Labcorp
Classification: Uncertain significance for Neuropathy, hereditary sensory and autonomic, type 2A; Pseudohypoaldosteronism type 2C. Last evaluated: 2021-12-27. Review status: criteria provided, single submitter. Criteria: Invitae Variant Classification Sherloc (09022015). Collection method: clinical testing. Allele origin: germline.
Comment: This sequence change replaces glutamic acid, which is acidic and polar, with alanine, which is neutral and non-polar, at codon 766 of the WNK1 protein (p.Glu766Ala). In summary, the available evidence is currently insufficient to determine the role of this variant in disease. Therefore, it has been classified as a Variant of Uncertain Significance. Advanced modeling of protein sequence and biophysical properties (such as structural, functional, and spatial information, amino acid conservation, physicochemical variation, residue mobility, and thermodynamic stability) performed at Invitae indicates that this missense variant is not expected to disrupt WNK1 protein function. ClinVar contains an entry for this variant (Variation ID: 1062522). This variant has not been reported in the literature in individuals affected with WNK1-related conditions. This variant is present in population databases (no rsID available, gnomAD 0.01%).